The following is an entry in ClinVar:

ClinVar aggregate classification (germline): Uncertain significance (1 of 4 stars; one submission).

Conditions:
Inborn genetic diseases. Identifiers: MedGen C0950123, MeSH D030342.

Submission:

Ambry Genetics
Classification: Uncertain significance for Inborn genetic diseases. Last evaluated: 2024-12-15. Review status: criteria provided, single submitter. Criteria: Ambry Variant Classification Scheme 2023. Collection method: clinical testing. Allele origin: germline.
Comment: The p.L735P variant (also known as c.2204T>C), located in coding exon 1 of the SAMD9 gene, results from a T to C substitution at nucleotide position 2204. The leucine at codon 735 is replaced by proline, an amino acid with similar properties. This amino acid position is conserved. In addition, this alteration is predicted to be deleterious by in silico analysis. Based on the available evidence, the clinical significance of this variant remains unclear.

NM_017654.4(SAMD9):c.2204T>C (p.Leu735Pro)

Gene: SAMD9 (sterile alpha motif domain containing 9; minus strand). Cytogenetic location: 7q21.2.
Variant type: single nucleotide variant.
Coding change: c.2204T>C on transcript NM_017654.4 (MANE Select); coding-DNA position 2204, T replaced by C.
Protein change: p.Leu735Pro; replaces leucine 735 with proline.
Molecular consequence: missense variant.
Genome position (GRCh38, 1-based): chr7:93,103,894, A>G on the plus strand (T>C on the coding strand, the complement: SAMD9 is on the minus strand). VCF-style: chr7-93103894-A-G. GRCh37 (hg19) VCF-style: chr7-92733207-A-G.
Other names: c.2204T>C, p.Leu735Pro (NM_001193307.2); short protein forms L735P.
Identifiers: ClinVar variation 3791908 (VCV003791908.1).
Genomic context (GRCh38, chr7:93,103,894, plus strand): 5'-CTTAGTTCCCAGAGAATGTGCATAGCCAAGGTAGTTCCCCCACAGCCTGGATGATGATAC[A>G]GATGAATAATTTTGGTACTTGTTGGTTTAGAAGAATCTGCACAGTTTTGAATCATTGCTT-3'
Protein context (NP_060124.2, residues 725-745): SKPTSTKIIH[Leu735Pro]YHHPGCGGTT